The following is an entry in ClinVar:

NM_001673.5(ASNS):c.1112C>T (p.Thr371Met)

Genes: ASNS (asparagine synthetase (glutamine-hydrolyzing); minus strand), CZ1P-ASNS (CZ1P-ASNS readthrough; minus strand). Cytogenetic location: 7q21.3.
Variant type: single nucleotide variant.
Coding change: c.1112C>T on transcript NM_001673.5 (MANE Select); coding-DNA position 1112, C replaced by T.
Protein change: p.Thr371Met; replaces threonine 371 with methionine.
Molecular consequence: missense variant. On other transcripts: non-coding transcript variant (1).
Genome position (GRCh38, 1-based): chr7:97,855,378, G>A on the plus strand (C>T on the coding strand, the complement: ASNS is on the minus strand). VCF-style: chr7-97855378-G-A. GRCh37 (hg19) VCF-style: chr7-97484690-G-A.
Other names: c.1049C>T, p.Thr350Met (NM_001178075.2); c.863C>T, p.Thr288Met (NM_001178076.2, NM_001178077.1); c.1112C>T, p.Thr371Met (NM_001352496.2, NM_133436.3, NM_183356.4); short protein forms T288M, T371M, T350M.
Identifiers: ClinVar variation 1031113 (VCV001031113.5), dbSNP rs753908207, ClinGen allele CA4354605.

ClinVar aggregate classification (germline): Uncertain significance. Review status: criteria provided, multiple submitters, no conflicts (2 of 4 stars). 2 submissions from 2 submitters: Uncertain significance (2). Last evaluated 2024-10-23.

Conditions:
Congenital microcephaly - severe encephalopathy - progressive cerebral atrophy syndrome. Also called: Asparagine synthetase deficiency; ASNS DEFICIENCY. Identifiers: Orphanet 391376, MedGen C3809971, MONDO:0014258, OMIM 615574.

Allele frequency attached by ClinVar (database versions not stated): gnomAD 0.00001 and 0.00003; TOPMed 0.00002; ExAC 0.00006; gnomAD exomes 0.00006.
gnomAD v4.1: 87 of 1,612,370 alleles (0.0054%); highest among the groups gnomAD compares: South Asian, 0.029%; no homozygotes.

Submissions (2):

Labcorp Genetics (formerly Invitae), Labcorp
Classification: Uncertain significance. Last evaluated: 2024-10-23. Review status: criteria provided, single submitter. Criteria: Invitae Variant Classification Sherloc (09022015). Collection method: clinical testing. Allele origin: germline.
Comment: This sequence change replaces threonine, which is neutral and polar, with methionine, which is neutral and non-polar, at codon 371 of the ASNS protein (p.Thr371Met). This variant is present in population databases (rs753908207, gnomAD 0.02%). This variant has not been reported in the literature in individuals affected with ASNS-related conditions. ClinVar contains an entry for this variant (Variation ID: 1031113). Invitae Evidence Modeling of protein sequence and biophysical properties (such as structural, functional, and spatial information, amino acid conservation, physicochemical variation, residue mobility, and thermodynamic stability) indicates that this missense variant is not expected to disrupt ASNS protein function with a negative predictive value of 80%. In summary, the available evidence is currently insufficient to determine the role of this variant in disease. Therefore, it has been classified as a Variant of Uncertain Significance.

Baylor Genetics
Classification: Uncertain significance for Congenital microcephaly - severe encephalopathy - progressive cerebral atrophy syndrome. Last evaluated: 2019-11-15. Review status: criteria provided, single submitter. Criteria: ACMG Guidelines, 2015. Collection method: clinical testing. Allele origin: maternal. Affected: yes.
Comment: This variant was determined to be of uncertain significance according to ACMG Guidelines, 2015 [PMID:25741868].